The following is an entry in ClinVar:

NM_000214.3(JAG1):c.1822C>T (p.Gln608Ter)

Gene: JAG1 (jagged canonical Notch ligand 1; minus strand). Cytogenetic location: 20p12.2.
Variant type: single nucleotide variant.
Coding change: c.1822C>T on transcript NM_000214.3 (MANE Select); coding-DNA position 1822, C replaced by T.
Protein change: p.Gln608Ter; replaces glutamine 608 with a stop codon.
Molecular consequence: nonsense.
Genome position (GRCh38, 1-based): chr20:10,647,002, G>A on the plus strand (C>T on the coding strand, the complement: JAG1 is on the minus strand). VCF-style: chr20-10647002-G-A. GRCh37 (hg19) VCF-style: chr20-10627650-G-A.
Other names: short protein forms Q608*.
Identifiers: ClinVar variation 1918213 (VCV001918213.5), dbSNP rs979265484, ClinGen allele CA408236068.
Genomic context (GRCh38, chr20:10,647,002, plus strand): 5'-CATGGCAGTATGTTCCCGTGAAGCCTTTGTTACAGTCACAGGTGAATTTGCCTCCCGACT[G>A]ACTCTTGCACTTCCCGTGAGGACCACAGACGTTGGAGGAAATATACCGCACCCCTTCAGG-3'

ClinVar aggregate classification (germline): Pathogenic (1 of 4 stars; one submission).

Conditions:
Alagille syndrome due to a JAG1 point mutation. Also called: Alagille Syndrome 1; JAG1-Related Alagille Syndrome; HEPATIC DUCTULAR HYPOPLASIA, SYNDROMATIC. Identifiers: Orphanet 261619, Orphanet 52, MedGen C1956125, MONDO:0016862, OMIM 118450.

Submission:

Labcorp Genetics (formerly Invitae), Labcorp
Classification: Pathogenic for Alagille syndrome due to a JAG1 point mutation. Last evaluated: 2022-03-02. Review status: criteria provided, single submitter. Criteria: Invitae Variant Classification Sherloc (09022015). Collection method: clinical testing. Allele origin: germline.
Comment: For these reasons, this variant has been classified as Pathogenic. This premature translational stop signal has been observed in individual(s) with Alagille syndrome (PMID: 31343788). This variant is not present in population databases (gnomAD no frequency). This sequence change creates a premature translational stop signal (p.Gln608*) in the JAG1 gene. It is expected to result in an absent or disrupted protein product. Loss-of-function variants in JAG1 are known to be pathogenic (PMID: 11180599).

Literature cited by the submitters: PubMed 31343788; PubMed 11180599.